The following is an entry in ClinVar:

ClinVar aggregate classification (germline): Uncertain significance. Review status: criteria provided, multiple submitters, no conflicts (2 of 4 stars). 2 submissions from 2 submitters: Uncertain significance (2). Last evaluated 2025-06-06.

Conditions:
Gastrointestinal stromal tumor. Also called: Gastrointestinal stromal tumor, somatic; Gastrointestinal stroma tumor. Identifiers: Orphanet 44890, MedGen C0238198, MeSH D046152, MONDO:0011719, OMIM 606764, HP:0100723.

Submissions (2):

GeneDx
Classification: Uncertain significance. Last evaluated: 2025-06-06. Review status: criteria provided, single submitter. Criteria: GeneDx Variant Classification Process June 2021. Collection method: clinical testing. Allele origin: germline. Affected: yes.
Comment: Not observed at significant frequency in large population cohorts (gnomAD); In silico analysis supports that this missense variant has a deleterious effect on protein structure/function; Has not been previously published as pathogenic or benign to our knowledge

Labcorp Genetics (formerly Invitae), Labcorp
Classification: Uncertain significance for Gastrointestinal stromal tumor. Last evaluated: 2025-02-07. Review status: criteria provided, single submitter. Criteria: Invitae Variant Classification Sherloc (09022015). Collection method: clinical testing. Allele origin: germline.
Comment: This sequence change replaces leucine, which is neutral and non-polar, with tryptophan, which is neutral and slightly polar, at codon 525 of the KIT protein (p.Leu525Trp). This variant is not present in population databases (gnomAD no frequency). This variant has not been reported in the literature in individuals affected with KIT-related conditions. An algorithm developed to predict the effect of missense changes on protein structure and function (PolyPhen-2) suggests that this variant is likely to be disruptive. In summary, the available evidence is currently insufficient to determine the role of this variant in disease. Therefore, it has been classified as a Variant of Uncertain Significance.

NM_000222.3(KIT):c.1574T>G (p.Leu525Trp)

Gene: KIT (KIT proto-oncogene, receptor tyrosine kinase; plus strand). Cytogenetic location: 4q12.
Variant type: single nucleotide variant.
Coding change: c.1574T>G on transcript NM_000222.3 (MANE Select); coding-DNA position 1574, T replaced by G.
Protein change: p.Leu525Trp; replaces leucine 525 with tryptophan.
Molecular consequence: missense variant.
Genome position (GRCh38, 1-based): chr4:54,727,251, T>G. VCF-style: chr4-54727251-T-G. GRCh37 (hg19) VCF-style: chr4-55593417-T-G.
Other names: c.1562T>G, p.Leu521Trp (NM_001093772.2, NM_001385286.1); c.1577T>G, p.Leu526Trp (NM_001385284.1, NM_001385290.1); c.1574T>G, p.Leu525Trp (NM_001385285.1); c.1565T>G, p.Leu522Trp (NM_001385288.1, NM_001385292.1); short protein forms L521W, L522W, L525W, L526W.
Identifiers: ClinVar variation 4536188 (VCV004536188.2).